The following is an entry in ClinVar:

NM_000179.3(MSH6):c.3827A>G (p.Glu1276Gly)

Gene: MSH6 (mutS homolog 6; plus strand). Cytogenetic location: 2p16.3.
Variant type: single nucleotide variant.
Coding change: c.3827A>G on transcript NM_000179.3 (MANE Select); coding-DNA position 3827, A replaced by G.
Protein change: p.Glu1276Gly; replaces glutamic acid 1276 with glycine.
Molecular consequence: missense variant.
Genome position (GRCh38, 1-based): chr2:47,806,477, A>G. VCF-style: chr2-47806477-A-G. GRCh37 (hg19) VCF-style: chr2-48033616-A-G.
Other names: c.3437A>G, p.Glu1146Gly (NM_001281492.2); c.2921A>G, p.Glu974Gly (NM_001281493.2, NM_001281494.2); short protein forms E1276G, E1146G, E974G.
Identifiers: ClinVar variation 824265 (VCV000824265.15), dbSNP rs1572746334, ClinGen allele CA346761266.

ClinVar aggregate classification (germline): Uncertain significance. Review status: criteria provided, multiple submitters, no conflicts (2 of 4 stars). 3 submissions from 3 submitters: Uncertain significance (3). Last evaluated 2025-05-13.

Conditions:
Hereditary nonpolyposis colorectal neoplasms. Identifiers: MedGen C0009405, MeSH D003123.
Hereditary cancer-predisposing syndrome. Also called: Neoplastic Syndromes, Hereditary; Tumor predisposition; Hereditary neoplastic syndrome; Hereditary Cancer Syndrome. Identifiers: Orphanet 140162, MedGen C0027672, MeSH D009386, MONDO:0015356.

Submissions (3):

GeneDx
Classification: Uncertain significance. Last evaluated: 2025-05-13. Review status: criteria provided, single submitter. Criteria: GeneDx Variant Classification Process June 2021. Collection method: clinical testing. Allele origin: germline. Affected: yes.
Comment: Not observed at significant frequency in large population cohorts (gnomAD); In silico analysis supports that this missense variant has a deleterious effect on protein structure/function; Has not been previously published as pathogenic or benign to our knowledge

Ambry Genetics
Classification: Uncertain significance for Hereditary cancer-predisposing syndrome. Last evaluated: 2021-08-26. Review status: criteria provided, single submitter. Criteria: Ambry Variant Classification Scheme 2023. Collection method: clinical testing. Allele origin: germline.
Comment: The p.E1276G variant (also known as c.3827A>G), located in coding exon 9 of the MSH6 gene, results from an A to G substitution at nucleotide position 3827. The glutamic acid at codon 1276 is replaced by glycine, an amino acid with similar properties. This amino acid position is well conserved in available vertebrate species. In addition, the in silico prediction for this alteration is inconclusive. Since supporting evidence is limited at this time, the clinical significance of this alteration remains unclear.

Labcorp Genetics (formerly Invitae), Labcorp
Classification: Uncertain significance for Hereditary nonpolyposis colorectal neoplasms. Last evaluated: 2019-02-27. Review status: criteria provided, single submitter. Criteria: Invitae Variant Classification Sherloc (09022015). Collection method: clinical testing. Allele origin: germline.
Comment: In summary, the available evidence is currently insufficient to determine the role of this variant in disease. Therefore, it has been classified as a Variant of Uncertain Significance. Algorithms developed to predict the effect of missense changes on protein structure and function are either unavailable or do not agree on the potential impact of this missense change (SIFT: "Deleterious"; PolyPhen-2: "Possibly Damaging"; Align-GVGD: "Class C15"). This variant has not been reported in the literature in individuals with MSH6-related conditions. This variant is not present in population databases (ExAC no frequency). This sequence change replaces glutamic acid with glycine at codon 1276 of the MSH6 protein (p.Glu1276Gly). The glutamic acid residue is moderately conserved and there is a moderate physicochemical difference between glutamic acid and glycine.